The following is an entry in ClinVar:

NM_032119.4(ADGRV1):c.11549A>G (p.Lys3850Arg)

Gene: ADGRV1 (adhesion G protein-coupled receptor V1; plus strand). Cytogenetic location: 5q14.3.
Variant type: single nucleotide variant.
Coding change: c.11549A>G on transcript NM_032119.4 (MANE Select); coding-DNA position 11549, A replaced by G.
Protein change: p.Lys3850Arg; replaces lysine 3850 with arginine.
Molecular consequence: missense variant. On other transcripts: non-coding transcript variant (1).
Genome position (GRCh38, 1-based): chr5:90,755,154, A>G. VCF-style: chr5-90755154-A-G. GRCh37 (hg19) VCF-style: chr5-90050971-A-G.
Other names: short protein forms K3850R.
Identifiers: ClinVar variation 392849 (VCV000392849.2), dbSNP rs1057524659, ClinGen allele CA16604991.

ClinVar aggregate classification (germline): Uncertain significance (1 of 4 stars; one submission).

Allele frequency attached by ClinVar (database versions not stated): gnomAD exomes below 0.00001.
gnomAD v4.1: 1 of 1,607,260 alleles (0.000062%); highest among the groups gnomAD compares: Non-Finnish European, 0.000085%; no homozygotes.

Submission:

GeneDx
Classification: Uncertain significance. Last evaluated: 2017-01-27. Review status: criteria provided, single submitter. Criteria: GeneDx Variant Classification (06012015). Collection method: clinical testing. Allele origin: germline. Affected: yes.
Comment: The K3850R variant in the ADGRV1 gene has not been reported previously as a pathogenic variant, nor as a benign variant, to our knowledge. The K3850R variant was not observed in approximately 5,900 individuals of European and African American ancestry in the NHLBI Exome Sequencing Project, indicating it is not a common benign variant in these populations. The K3850R variant is a conservative amino acid substitution, which is not likely to impact secondary protein structure as these residues share similar properties. This substitution occurs at a position that is not conserved. In silico analysis is inconsistent in its predictions as to whether or not the variant is damaging to the protein structure/function. We interpret K3850R as a variant of uncertain significance.